The following is an entry in ClinVar:

ClinVar aggregate classification (germline): Pathogenic (1 of 4 stars; one submission).

Conditions:
Neurofibromatosis, type 1 (NF1). Also called: Neurofibromatosis, type I; VON RECKLINGHAUSEN DISEASE; Peripheral type neurofibromatosis; NEUROFIBROMATOSIS, TYPE I, SOMATIC. Identifiers: Orphanet 636, MedGen C0027831, MONDO:0018975, OMIM 162200. Disease mechanism: loss of function.

Submission:

Labcorp Genetics (formerly Invitae), Labcorp
Classification: Pathogenic for Neurofibromatosis, type 1. Last evaluated: 2019-11-19. Review status: criteria provided, single submitter. Criteria: Invitae Variant Classification Sherloc (09022015). Collection method: clinical testing. Allele origin: germline.
Comment: For these reasons, this variant has been classified as Pathogenic. Loss-of-function variants in NF1 are known to be pathogenic (PMID: 10712197, 23913538). This sequence change creates a premature translational stop signal (p.Leu2421Tyrfs*14) in the NF1 gene. It is expected to result in an absent or disrupted protein product. This variant is not present in population databases (ExAC no frequency). This variant has been observed in individual(s) with clinical features of neurofibromatosis type 1 (PMID: 7655472). This variant is also known as 7260delT in the literature.

Literature cited by the submitters: PubMed 10712197; PubMed 23913538; PubMed 7655472.

NM_001042492.3(NF1):c.7325del (p.Leu2442fs)

Gene: NF1 (neurofibromin 1; plus strand). Cytogenetic location: 17q11.2.
Variant type: Deletion.
Coding change: c.7325del on transcript NM_001042492.3 (MANE Select); coding-DNA position 7325, one base deleted (T; older notation c.7325delT).
Protein change: p.Leu2442fs; shifts the reading frame from leucine 2442.
Molecular consequence: frameshift variant.
Genome position (GRCh38, 1-based): chr17:31,350,186, T deleted; the last of 3 consecutive T bases (chr17:31,350,184-31,350,186); deleting any one gives the same sequence. VCF-style (leftmost placement, unchanged base first): chr17-31350183-CT-C. GRCh37 (hg19) VCF-style: chr17-29677201-CT-C.
Other names: c.7262delT, p.Leu2421Tyrfs (NM_000267.4); short protein forms L2442fs, L2421fs.
Identifiers: ClinVar variation 851770 (VCV000851770.6), dbSNP rs1597859558, ClinGen allele CA916080669.